The following is an entry in ClinVar:

ClinVar aggregate classification (germline): Uncertain significance (1 of 4 stars; one submission).

Conditions:
Cornelia de Lange syndrome 1 (CDLS1). Also called: Brachmann de Lange syndrome; NIPBL-Related Cornelia de Lange Syndrome; TYPUS DEGENERATIVUS AMSTELODAMENSIS. Identifiers: Orphanet 199, MedGen C4551851, MONDO:0007387, OMIM 122470.

Allele frequency attached by ClinVar (database versions not stated): ExAC 0.00001.
gnomAD v4.1: 1 of 1,613,878 alleles (0.000062%); highest among the groups gnomAD compares: Admixed American, 0.0017%; no homozygotes.

Submission:

Labcorp Genetics (formerly Invitae), Labcorp
Classification: Uncertain significance for Cornelia de Lange syndrome 1. Last evaluated: 2024-03-14. Review status: criteria provided, single submitter. Criteria: Invitae Variant Classification Sherloc (09022015). Collection method: clinical testing. Allele origin: germline.
Comment: This sequence change replaces asparagine, which is neutral and polar, with lysine, which is basic and polar, at codon 70 of the NIPBL protein (p.Asn70Lys). This variant is present in population databases (rs756859262, gnomAD 0.003%). This variant has not been reported in the literature in individuals affected with NIPBL-related conditions. ClinVar contains an entry for this variant (Variation ID: 2012648). Advanced modeling of protein sequence and biophysical properties (such as structural, functional, and spatial information, amino acid conservation, physicochemical variation, residue mobility, and thermodynamic stability) has been performed at Invitae for this missense variant, however the output from this modeling did not meet the statistical confidence thresholds required to predict the impact of this variant on NIPBL protein function. In summary, the available evidence is currently insufficient to determine the role of this variant in disease. Therefore, it has been classified as a Variant of Uncertain Significance.

NM_133433.4(NIPBL):c.210C>A (p.Asn70Lys)

Gene: NIPBL (NIPBL cohesin loading factor; plus strand). Cytogenetic location: 5p13.2.
Variant type: single nucleotide variant.
Coding change: c.210C>A on transcript NM_133433.4 (MANE Select); coding-DNA position 210, C replaced by A.
Protein change: p.Asn70Lys; replaces asparagine 70 with lysine.
Molecular consequence: missense variant.
Genome position (GRCh38, 1-based): chr5:36,955,617, C>A. VCF-style: chr5-36955617-C-A. GRCh37 (hg19) VCF-style: chr5-36955719-C-A.
Other names: c.210C>A, p.Asn70Lys (NM_015384.5); short protein forms N70K.
Identifiers: ClinVar variation 2012648 (VCV002012648.4), dbSNP rs756859262, ClinGen allele CA3235752.